The following is an entry in ClinVar:

NM_020937.4(FANCM):c.3802G>C (p.Glu1268Gln)

Gene: FANCM (FA complementation group M; plus strand). Cytogenetic location: 14q21.2.
Variant type: single nucleotide variant.
Coding change: c.3802G>C on transcript NM_020937.4 (MANE Select); coding-DNA position 3802, G replaced by C.
Protein change: p.Glu1268Gln; replaces glutamic acid 1268 with glutamine.
Molecular consequence: missense variant.
Genome position (GRCh38, 1-based): chr14:45,176,556, G>C. VCF-style: chr14-45176556-G-C. GRCh37 (hg19) VCF-style: chr14-45645759-G-C.
Other names: c.3724G>C, p.Glu1242Gln (NM_001308133.2); short protein forms E1268Q, E1242Q.
Identifiers: ClinVar variation 4022834 (VCV004022834.1).
Genomic context (GRCh38, chr14:45,176,556, plus strand): 5'-CATACATCAGATAGCAATAGACCTCTAGATGATCTATATGGAAGGTATTTGGAAATTAAG[G>C]AGATAAGTGATGCAAATTATGTTTCGAATCAAGCACTAATACCAAGAGATCATAGTAAAA-3'
Protein context (NP_065988.1, residues 1258-1278): DLYGRYLEIK[Glu1268Gln]ISDANYVSNQ

ClinVar aggregate classification (germline): Uncertain significance (1 of 4 stars; one submission).

Conditions:
Inborn genetic diseases. Identifiers: MedGen C0950123, MeSH D030342.

gnomAD v4.1: 1 of 1,602,464 alleles (0.000062%); highest among the groups gnomAD compares: African/African-American, 0.0013%; no homozygotes.

Submission:

Ambry Genetics
Classification: Uncertain significance for Inborn genetic diseases. Last evaluated: 2025-05-31. Review status: criteria provided, single submitter. Criteria: Ambry Variant Classification Scheme 2023. Collection method: clinical testing. Allele origin: germline.
Comment: The p.E1268Q variant (also known as c.3802G>C), located in coding exon 14 of the FANCM gene, results from a G to C substitution at nucleotide position 3802. The glutamic acid at codon 1268 is replaced by glutamine, an amino acid with highly similar properties. This amino acid position is conserved. In addition, this alteration is predicted to be tolerated by in silico analysis. Based on the available evidence, the clinical significance of this variant remains unclear.